The following is an entry in ClinVar:

ClinVar aggregate classification (germline): Uncertain significance. Review status: criteria provided, multiple submitters, no conflicts (2 of 4 stars). 2 submissions from 2 submitters: Uncertain significance (2). Last evaluated 2025-11-10.

Conditions:
Familial thoracic aortic aneurysm and aortic dissection (TAAD). Also called: Thoracic aortic aneurysms and dissections. Identifiers: Orphanet 91387, MedGen C4707243, MONDO:0019625.

Allele frequency attached by ClinVar (database versions not stated): 1000 Genomes Project 0.00060; ExAC 0.00027; TOPMed 0.00003; 1000 Genomes Project 30x 0.00047.
gnomAD v4.1: 146 of 1,607,660 alleles (0.0091%); highest among the groups gnomAD compares: South Asian, 0.15%; 1 homozygote.

Submissions (2):

GeneDx
Classification: Uncertain significance. Last evaluated: 2025-11-10. Review status: criteria provided, single submitter. Criteria: GeneDx Variant Classification Process June 2021. Collection method: clinical testing. Allele origin: germline.
Comment: Canonical splice site variant with an unclear effect on protein function; Reported using an alternate transcript of the gene; This variant is associated with the following publications: (PMID: 33087929)

Department of Pathology and Laboratory Medicine, Sinai Health System
Classification: Uncertain significance for familial thoracic aortic aneurysm and aortic dissection. Last evaluated: 2021-07-30. Review status: criteria provided, single submitter. Criteria: ACMG Guidelines, 2015. Collection method: research. Allele origin: germline.

NM_001040113.2(MYH11):c.*8+1G>A

Genes: MYH11 (myosin heavy chain 11; minus strand), NDE1 (nudE neurodevelopment protein 1; plus strand). Cytogenetic location: 16p13.11.
Variant type: single nucleotide variant.
Coding change: c.*8+1G>A on transcript NM_001040113.2 (MANE Plus Clinical); the canonical splice donor site of the intron after 8 bases downstream of the stop codon, G replaced by A.
Molecular consequence: splice donor variant. On other transcripts: intron variant (4).
Genome position (GRCh38, 1-based): chr16:15,708,802, C>T on the plus strand (G>A on the coding strand, the complement: MYH11 is on the minus strand). VCF-style: chr16-15708802-C-T. GRCh37 (hg19) VCF-style: chr16-15802659-C-T.
Other names: c.947+11942C>T (NM_001143979.2, NM_017668.3); c.5787-4679G>A (NM_002474.3); c.*8+1G>A (NM_022844.3); c.5808-4679G>A (NM_001040114.2).
Identifiers: ClinVar variation 2580832 (VCV002580832.3), dbSNP rs557821702, ClinGen allele CA7921095.